The following is an entry in ClinVar:

NM_002072.5(GNAQ):c.626A>C (p.Gln209Pro)

Gene: GNAQ (G protein subunit alpha q; minus strand). Cytogenetic location: 9q21.2.
Variant type: single nucleotide variant.
Coding change: c.626A>C on transcript NM_002072.5 (MANE Select); coding-DNA position 626, A replaced by C.
Protein change: p.Gln209Pro; replaces glutamine 209 with proline.
Molecular consequence: missense variant.
Genome position (GRCh38, 1-based): chr9:77,794,572, T>G on the plus strand (A>C on the coding strand, the complement: GNAQ is on the minus strand). VCF-style: chr9-77794572-T-G. GRCh37 (hg19) VCF-style: chr9-80409488-T-G.
Other names: short protein forms Q209P.
Identifiers: ClinVar variation 4530522 (VCV004530522.1), dbSNP rs121913492.

ClinVar aggregate classification (somatic clinical impact): Tier I - Strong. Review status: criteria provided, single submitter (1 of 4 stars). 2 submissions from 1 submitter. 1 of the submissions does not count toward it. Last evaluated 2025-03-14.

Conditions:
Meningeal melanocytoma. Identifiers: Orphanet 252046, MedGen C1266113, MONDO:0016746.
Myxoid glioneuronal tumor. Identifiers: MedGen C5555545, MONDO:0858944.

Submissions (2):

Institute for Genomic Medicine (IGM) Clinical Laboratory, Nationwide Children's Hospital
Classification: Tier I - Strong for Meningeal melanocytoma. Assertion type: diagnostic. Clinical significance: supports diagnosis. Last evaluated: 2025-03-14. Review status: criteria provided, single submitter. Criteria: AMP/ASCO/CAP Guidelines, 2017. Collection method: clinical testing. Allele origin: somatic. Affected: yes.
Comment: Variant has Tier I (strong) clinical significance as a diagnostic inclusion criterion in meningeal melanocytoma, based on the following evidence: 1) Documented in one or more cancer databases (e.g., St. Jude Pecan, COSMIC, CIViC, OncoKB). 2) Appears in one or more well-established professional guidelines (e.g., World Health Organization [WHO]; National Comprehensive Cancer Network [NCCN]) as providing diagnostic, prognostic, or therapeutic information. 3) Information in the literature supports potential biologic effect of variant (PMID: 30352874). 4) Diagnostic for a specific tumor type/classification according to professional guidelines (Evidence Level A; PMIDs: 19936769, 22307269, 29891723, 26744134, 28499758).

Institute for Genomic Medicine (IGM) Clinical Laboratory, Nationwide Children's Hospital
Classification: Tier II - Potential for Myxoid glioneuronal tumor. Assertion type: diagnostic. Clinical significance: supports diagnosis. Last evaluated: 2023-10-04. Review status: criteria provided, single submitter. Criteria: AMP/ASCO/CAP Guidelines, 2017. Collection method: clinical testing. Allele origin: somatic. Affected: yes. Not counted in ClinVar's aggregate classification.
Comment: Variant has Tier II (potential) clinical significance as a diagnostic inclusion criterion in myxoid glioneuronal tumor, based on the following evidence: 1) Documented in one or more cancer databases (e.g., St. Jude Pecan, COSMIC, CIViC, OncoKB). 2) Information in the literature supports potential biologic effect of variant (PMID: 30352874). 3) Diagnostic significance based on multiple small studies (Evidence Level C; PMIDs: 21487925, 30204251, 35804836).

Literature cited by the submitters: PubMed 30352874; PubMed 19936769; PubMed 22307269; PubMed 29891723; PubMed 26744134; PubMed 28499758; PubMed 21487925; PubMed 30204251; PubMed 35804836.